The following is an entry in ClinVar:

ClinVar aggregate classification (germline): Conflicting classifications of pathogenicity. Review status: criteria provided, conflicting classifications (1 of 4 stars). 3 submissions from 3 submitters: Uncertain significance (1); Likely benign (2). Last evaluated 2025-08-20.

Conditions:
Familial thoracic aortic aneurysm and aortic dissection (TAAD). Also called: Thoracic aortic aneurysms and dissections. Identifiers: Orphanet 91387, MedGen C4707243, MONDO:0019625.
FG syndrome (FGS). Identifiers: MedGen C0220769, MONDO:0002010.

Allele frequency attached by ClinVar (database versions not stated): gnomAD 0.00001; gnomAD exomes 0.00001 and 0.00003; TOPMed 0.00001.
gnomAD v4.1: 35 of 1,200,330 alleles (0.0029%); highest among the groups gnomAD compares: Non-Finnish European, 0.0039%; no homozygotes.

Submissions (3):

Labcorp Genetics (formerly Invitae), Labcorp
Classification: Likely benign for FG syndrome. Last evaluated: 2025-08-20. Review status: criteria provided, single submitter. Criteria: Invitae Variant Classification Sherloc (09022015). Collection method: clinical testing. Allele origin: germline.

GeneDx
Classification: Likely benign. Last evaluated: 2019-06-10. Review status: criteria provided, single submitter. Criteria: GeneDx Variant Classification Process June 2021. Collection method: clinical testing. Allele origin: germline. Affected: yes.
Comment: This variant is associated with the following publications: (PMID: 29743117)

Ambry Genetics
Classification: Uncertain significance for Familial thoracic aortic aneurysm and aortic dissection. Last evaluated: 2016-12-07. Review status: criteria provided, single submitter. Criteria: Ambry Variant Classification Scheme 2023. Collection method: clinical testing. Allele origin: germline.
Comment: The p.A1753V variant (also known as c.5258C>T), located in coding exon 37 of the MED12 gene, results from a C to T substitution at nucleotide position 5258. The alanine at codon 1753 is replaced by valine, an amino acid with similar properties. This amino acid position is not well conserved in available vertebrate species, and valine is the reference amino acid in other vertebrate species. In addition, this alteration is predicted to be tolerated by in silico analysis. Since supporting evidence is limited at this time, the clinical significance of this alteration remains unclear.

NM_005120.3(MED12):c.5258C>T (p.Ala1753Val)

Gene: MED12 (mediator complex subunit 12; plus strand). Cytogenetic location: Xq13.1.
Variant type: single nucleotide variant.
Coding change: c.5258C>T on transcript NM_005120.3 (MANE Select); coding-DNA position 5258, C replaced by T.
Protein change: p.Ala1753Val; replaces alanine 1753 with valine.
Molecular consequence: missense variant.
Genome position (GRCh38, 1-based): chrX:71,136,513, C>T. VCF-style: chrX-71136513-C-T. GRCh37 (hg19) VCF-style: chrX-70356363-C-T.
Other names: short protein forms A1753V.
Identifiers: ClinVar variation 519907 (VCV000519907.18), dbSNP rs1246253918, ClinGen allele CA413534649.